The following is an entry in ClinVar:

NM_001010892.3(RSPH4A):c.413C>A (p.Thr138Asn)

Gene: RSPH4A (radial spoke head component 4A; plus strand). Cytogenetic location: 6q22.1.
Variant type: single nucleotide variant.
Coding change: c.413C>A on transcript NM_001010892.3 (MANE Select); coding-DNA position 413, C replaced by A.
Protein change: p.Thr138Asn; replaces threonine 138 with asparagine.
Molecular consequence: missense variant.
Genome position (GRCh38, 1-based): chr6:116,617,036, C>A. VCF-style: chr6-116617036-C-A. GRCh37 (hg19) VCF-style: chr6-116938199-C-A.
Other names: c.413C>A (NM_001010892.2); c.413C>A, p.Thr138Asn (NM_001161664.2); short protein forms T138N.
Identifiers: ClinVar variation 2419399 (VCV002419399.13), dbSNP rs545486771, ClinGen allele CA3970755.

ClinVar aggregate classification (germline): Uncertain significance. Review status: criteria provided, multiple submitters, no conflicts (2 of 4 stars). 3 submissions from 3 submitters: Uncertain significance (3). Last evaluated 2024-11-09.

Conditions:
Primary ciliary dyskinesia. Also called: Ciliary dyskinesia. Identifiers: Orphanet 244, MedGen C0008780, MONDO:0016575, HP:0012265.

Allele frequency attached by ClinVar (database versions not stated): ExAC 0.00004; gnomAD 0.00005; TOPMed 0.00007; 1000 Genomes Project 0.00020; 1000 Genomes Project 30x 0.00031.
gnomAD v4.1: 61 of 1,614,218 alleles (0.0038%); highest among the groups gnomAD compares: Admixed American, 0.0067%; no homozygotes.

Submissions (3):

Ambry Genetics
Classification: Uncertain significance for Primary ciliary dyskinesia. Last evaluated: 2024-11-09. Review status: criteria provided, single submitter. Criteria: Ambry Variant Classification Scheme 2023. Collection method: clinical testing. Allele origin: germline.

Blueprint Genetics
Classification: Uncertain significance. Last evaluated: 2024-10-11. Review status: criteria provided, single submitter. Criteria: ACMG Guidelines, 2015. Collection method: clinical testing. Allele origin: germline.

Labcorp Genetics (formerly Invitae), Labcorp
Classification: Uncertain significance for Primary ciliary dyskinesia. Last evaluated: 2022-04-07. Review status: criteria provided, single submitter. Criteria: Invitae Variant Classification Sherloc (09022015). Collection method: clinical testing. Allele origin: germline.
Comment: This sequence change replaces threonine, which is neutral and polar, with asparagine, which is neutral and polar, at codon 138 of the RSPH4A protein (p.Thr138Asn). This variant is present in population databases (rs545486771, gnomAD 0.008%). This variant has not been reported in the literature in individuals affected with RSPH4A-related conditions. Algorithms developed to predict the effect of missense changes on protein structure and function are either unavailable or do not agree on the potential impact of this missense change (SIFT: "Deleterious"; PolyPhen-2: "Benign"; Align-GVGD: "Class C0"). In summary, the available evidence is currently insufficient to determine the role of this variant in disease. Therefore, it has been classified as a Variant of Uncertain Significance.